The following is an entry in ClinVar:

ClinVar aggregate classification (germline): Likely benign. Review status: criteria provided, multiple submitters, no conflicts (2 of 4 stars). 4 submissions from 4 submitters: Likely benign (3). 1 of the submissions does not count toward it. Last evaluated 2025-12-06.

Conditions:
ATP2A1-related disorder. Also called: ATP2A1-related condition.
Brody myopathy. Also called: BRODY DISEASE. Identifiers: Orphanet 53347, MedGen C1832918, MONDO:0010977, OMIM 601003.

Allele frequency attached by ClinVar (database versions not stated): gnomAD 0.00006; TOPMed 0.00006; gnomAD exomes 0.00009; 1000 Genomes Project 30x 0.00031; 1000 Genomes Project 0.00040.
gnomAD v4.1: 148 of 1,587,224 alleles (0.0093%); highest among the groups gnomAD compares: Middle Eastern, 0.084%; no homozygotes.

Submissions (4):

Labcorp Genetics (formerly Invitae), Labcorp
Classification: Likely benign for Brody myopathy. Last evaluated: 2025-12-06. Review status: criteria provided, single submitter. Criteria: Invitae Variant Classification Sherloc (09022015). Collection method: clinical testing. Allele origin: germline.

Athena Diagnostics
Classification: Likely benign. Last evaluated: 2024-10-25. Review status: criteria provided, single submitter. Criteria: Athena Diagnostics Criteria. Collection method: clinical testing. Allele origin: unknown.

GeneDx
Classification: Likely benign. Last evaluated: 2017-11-15. Review status: criteria provided, single submitter. Criteria: GeneDx Variant Classification (06012015). Collection method: clinical testing. Allele origin: germline. Affected: yes.
Comment: This variant is considered likely benign or benign based on one or more of the following criteria: it is a conservative change, it occurs at a poorly conserved position in the protein, it is predicted to be benign by multiple in silico algorithms, and/or has population frequency not consistent with disease.

PreventionGenetics, part of Exact Sciences
Classification: Likely benign for ATP2A1-related condition. Last evaluated: 2019-10-29. Review status: no assertion criteria provided. Collection method: clinical testing. Allele origin: germline. Not counted in ClinVar's aggregate classification.
Comment: This variant is classified as likely benign based on ACMG/AMP sequence variant interpretation guidelines (Richards et al. 2015 PMID: 25741868, with internal and published modifications).

NM_004320.6(ATP2A1):c.1800G>A (p.Leu600=)

Gene: ATP2A1 (ATPase sarcoplasmic/endoplasmic reticulum Ca2+ transporting 1; plus strand). Cytogenetic location: 16p11.2.
Variant type: single nucleotide variant.
Coding change: c.1800G>A on transcript NM_004320.6 (MANE Select); coding-DNA position 1800, G replaced by A.
Protein change: p.Leu600=; no amino-acid change (leucine 600 retained).
Molecular consequence: synonymous variant.
Genome position (GRCh38, 1-based): chr16:28,900,616, G>A. VCF-style: chr16-28900616-G-A. GRCh37 (hg19) VCF-style: chr16-28911937-G-A.
Other names: c.1800G>A (NM_004320.4); c.1425G>A, p.Leu475= (NM_001286075.2); c.1800G>A, p.Leu600= (NM_173201.5).
Identifiers: ClinVar variation 513272 (VCV000513272.13), dbSNP rs201713188, ClinGen allele CA7987087.